The following is an entry in ClinVar:

ClinVar aggregate classification (germline): Uncertain significance (1 of 4 stars; one submission).

Conditions:
Cardiovascular phenotype. Identifiers: MedGen CN230736.

Submission:

Ambry Genetics
Classification: Uncertain significance for Cardiovascular phenotype. Last evaluated: 2025-05-06. Review status: criteria provided, single submitter. Criteria: Ambry Variant Classification Scheme 2023. Collection method: clinical testing. Allele origin: germline.
Comment: The p.F457S variant (also known as c.1370T>C), located in coding exon 1 of the FKRP gene, results from a T to C substitution at nucleotide position 1370. The phenylalanine at codon 457 is replaced by serine, an amino acid with highly dissimilar properties. This amino acid position is conserved. In addition, the in silico prediction for this alteration is inconclusive. Based on the available evidence, the clinical significance of this variant remains unclear.

NM_024301.5(FKRP):c.1370T>C (p.Phe457Ser)

Gene: FKRP (fukutin related protein; plus strand). Cytogenetic location: 19q13.32.
Variant type: single nucleotide variant.
Coding change: c.1370T>C on transcript NM_024301.5 (MANE Select); coding-DNA position 1370, T replaced by C.
Protein change: p.Phe457Ser; replaces phenylalanine 457 with serine.
Molecular consequence: missense variant.
Genome position (GRCh38, 1-based): chr19:46,756,820, T>C. VCF-style: chr19-46756820-T-C. GRCh37 (hg19) VCF-style: chr19-47260077-T-C.
Other names: c.1370T>C, p.Phe457Ser (NM_001039885.3); short protein forms F457S.
Identifiers: ClinVar variation 4025256 (VCV004025256.1).